The following is an entry in ClinVar:

ClinVar aggregate classification (germline): Pathogenic. Review status: criteria provided, multiple submitters, no conflicts (2 of 4 stars). 3 submissions from 3 submitters: Pathogenic (3). Last evaluated 2026-03-11.

Allele frequency attached by ClinVar (database versions not stated): gnomAD exomes 0.00001 and 0.00004; gnomAD 0.00003; TOPMed 0.00005; ExAC 0.00006; ESP Exome Variant Server 0.00008.
gnomAD v4.1: 26 of 1,613,238 alleles (0.0016%); highest among the groups gnomAD compares: Admixed American, 0.01%; 1 homozygote.

Submissions (3):

GeneDx
Classification: Pathogenic. Last evaluated: 2026-03-11. Review status: criteria provided, single submitter. Criteria: GeneDx Variant Classification Process June 2021. Collection method: clinical testing. Allele origin: germline.
Comment: Nonsense variant predicted to result in protein truncation or nonsense mediated decay in a gene for which loss of function is a known mechanism of disease; This variant is associated with the following publications: (PMID: Cordo2023[CaseReport], 35495172, 37647632, 38205892, 36555767, 24657386, 35549507, 41130816)

Labcorp Genetics (formerly Invitae), Labcorp
Classification: Pathogenic. Last evaluated: 2025-06-15. Review status: criteria provided, single submitter. Criteria: Invitae Variant Classification Sherloc (09022015). Collection method: clinical testing. Allele origin: germline.
Comment: This sequence change creates a premature translational stop signal (p.Tyr492*) in the ABCG8 gene. It is expected to result in an absent or disrupted protein product. Loss-of-function variants in ABCG8 are known to be pathogenic (PMID: 11452359, 15375183, 16029460). This variant is present in population databases (rs370422066, gnomAD 0.009%). This premature translational stop signal has been observed in individual(s) with clinical features of sitosterolemia (PMID: 24657386). ClinVar contains an entry for this variant (Variation ID: 1441157). Algorithms developed to predict the effect of sequence changes on RNA splicing suggest that this variant may disrupt the consensus splice site. For these reasons, this variant has been classified as Pathogenic.

Dasa
Classification: Pathogenic. Last evaluated: 2025-05-26. Review status: criteria provided, single submitter. Criteria: DASA Assertion Criteria. Collection method: clinical testing. Allele origin: germline.
Comment: NM_022437.3(ABCG8):c.1476T>A (p.Tyr492*) introduces a premature termination codon predicted to result in loss of normal protein function. Loss-of-function is an established mechanism of disease for this gene. This variant has been observed in affected individuals with related phenotype in a genotype context consistent with recessive disease (PMID: 24657386). This variant has been reported in individuals with related phenotype (PMID: 24657386). The variant is present at low frequency in population datasets. Based on the available data, this variant is classified as pathogenic.

Literature cited by the submitters: PubMed 11452359 (cited by Labcorp Genetics (formerly Invitae), Labcorp); PubMed 15375183 (cited by Labcorp Genetics (formerly Invitae), Labcorp); PubMed 16029460 (cited by Labcorp Genetics (formerly Invitae), Labcorp); PubMed 24657386 (cited by Labcorp Genetics (formerly Invitae), Labcorp and Dasa).

NM_022437.3(ABCG8):c.1476T>A (p.Tyr492Ter)

Gene: ABCG8 (ATP binding cassette subfamily G member 8; plus strand). Cytogenetic location: 2p21.
Variant type: single nucleotide variant.
Coding change: c.1476T>A on transcript NM_022437.3 (MANE Select); coding-DNA position 1476, T replaced by A.
Protein change: p.Tyr492Ter; replaces tyrosine 492 with a stop codon.
Molecular consequence: nonsense.
Genome position (GRCh38, 1-based): chr2:43,874,471, T>A. VCF-style: chr2-43874471-T-A. GRCh37 (hg19) VCF-style: chr2-44101610-T-A.
Other names: c.1476T>A (NM_022437.2); c.1473T>A, p.Tyr491Ter (NM_001357321.2); short protein forms Y491*, Y492*.
Identifiers: ClinVar variation 1441157 (VCV001441157.8), dbSNP rs370422066, ClinGen allele CA1637469.